The following is an entry in ClinVar:

ClinVar aggregate classification (germline): Likely pathogenic (1 of 4 stars; one submission).

Submission:

Labcorp Genetics (formerly Invitae), Labcorp
Classification: Likely pathogenic. Last evaluated: 2022-09-06. Review status: criteria provided, single submitter. Criteria: Invitae Variant Classification Sherloc (09022015). Collection method: clinical testing. Allele origin: germline.
Comment: In summary, the currently available evidence indicates that the variant is pathogenic, but additional data are needed to prove that conclusively. Therefore, this variant has been classified as Likely Pathogenic. Algorithms developed to predict the effect of sequence changes on RNA splicing suggest that this variant may disrupt the consensus splice site. This variant has not been reported in the literature in individuals affected with ADGRV1-related conditions. This variant is not present in population databases (gnomAD no frequency). This sequence change affects a donor splice site in intron 27 of the ADGRV1 gene. It is expected to disrupt RNA splicing. Variants that disrupt the donor or acceptor splice site typically lead to a loss of protein function (PMID: 16199547), and loss-of-function variants in ADGRV1 are known to be pathogenic (PMID: 19357117, 22135276, 22147658, 26226137, 30718709, 31047384, 32467589).

Literature cited by the submitters: PubMed 16199547; PubMed 19357117; PubMed 22135276; PubMed 22147658; PubMed 26226137; PubMed 30718709; PubMed 31047384; PubMed 32467589.

NM_032119.4(ADGRV1):c.5664+1G>A

Gene: ADGRV1 (adhesion G protein-coupled receptor V1; plus strand). Cytogenetic location: 5q14.3.
Variant type: single nucleotide variant.
Coding change: c.5664+1G>A on transcript NM_032119.4 (MANE Select); the canonical splice donor site of the intron after coding-DNA position 5664, G replaced by A.
Molecular consequence: splice donor variant.
Genome position (GRCh38, 1-based): chr5:90,681,455, G>A. VCF-style: chr5-90681455-G-A. GRCh37 (hg19) VCF-style: chr5-89977272-G-A.
Identifiers: ClinVar variation 2029156 (VCV002029156.4), dbSNP rs2530798190, ClinGen allele CA360412693.
Genomic context (GRCh38, chr5:90,681,455, plus strand): 5'-GAGTCACTCTTTGTCAGTGGAACTGAACCAGAAGATGGGTATAGCACTGTTACATTAAAT[G>A]TGAGTACCTTTTCTTCCTTCATTCCTAGACACTTTCTGTTGTTTTAAAAACTGTACTGTG-3'